The following is an entry in ClinVar:

ClinVar aggregate classification (germline): Likely benign. Review status: criteria provided, single submitter (1 of 4 stars). 2 submissions from 2 submitters: Likely benign (1). 1 of the submissions does not count toward it. Last evaluated 2024-11-26.

Conditions:
EIF2AK3-related disorder. Also called: EIF2AK3-related condition.

Submissions (2):

Blueprint Genetics
Classification: Likely benign. Last evaluated: 2024-11-26. Review status: criteria provided, single submitter. Criteria: ACMG Guidelines, 2015. Collection method: clinical testing. Allele origin: germline.

PreventionGenetics, part of Exact Sciences
Classification: Likely benign for EIF2AK3-related condition. Last evaluated: 2022-04-14. Review status: no assertion criteria provided. Collection method: clinical testing. Allele origin: germline. Not counted in ClinVar's aggregate classification.
Comment: This variant is classified as likely benign based on ACMG/AMP sequence variant interpretation guidelines (Richards et al. 2015 PMID: 25741868, with internal and published modifications).

NM_004836.7(EIF2AK3):c.40CTG[6] (p.Leu20_Leu21del)

Gene: EIF2AK3 (eukaryotic translation initiation factor 2 alpha kinase 3; minus strand). Cytogenetic location: 2p11.2.
Variant type: Microsatellite.
Coding change: c.40CTG[6] on transcript NM_004836.7 (MANE Select); six copies in a row of the 3-base unit CTG starting at c.40; the reference has eight copies in a row; two copies, 6 bases deleted.
Protein change: p.Leu20_Leu21del.
Genome position (GRCh38, 1-based): chr2:88,627,212-88,627,217, CAGCAG deleted on the plus strand (CTGCTG on the coding strand, the reverse complement: EIF2AK3 is on the minus strand); deleting any 6 consecutive bases within chr2:88,627,212-88,627,236 gives the same sequence; the position shown is the placement nearest the transcript's 3' end. VCF-style (leftmost placement, unchanged base first): chr2-88627211-CCAGCAG-C. GRCh37 (hg19) VCF-style: chr2-88926729-CCAGCAG-C.
Identifiers: ClinVar variation 3037443 (VCV003037443.3), dbSNP rs1805190, ClinGen allele CA1755016.